The following is an entry in ClinVar:

NM_003002.4(SDHD):c.200C>A (p.Thr67Asn)

Gene: SDHD (succinate dehydrogenase complex subunit D; plus strand). Cytogenetic location: 11q23.1.
Variant type: single nucleotide variant.
Coding change: c.200C>A on transcript NM_003002.4 (MANE Select); coding-DNA position 200, C replaced by A.
Protein change: p.Thr67Asn; replaces threonine 67 with asparagine.
Molecular consequence: missense variant. On other transcripts: non-coding transcript variant (1), intron variant (1).
Genome position (GRCh38, 1-based): chr11:112,088,897, C>A. VCF-style: chr11-112088897-C-A. GRCh37 (hg19) VCF-style: chr11-111959621-C-A.
Other names: c.83C>A, p.Thr28Asn (NM_001276504.2); c.200C>A, p.Thr67Asn (NM_001276506.2); c.169+924C>A (NM_001276503.2); short protein forms T28N, T67N.
Identifiers: ClinVar variation 640150 (VCV000640150.6), dbSNP rs1592780362, ClinGen allele CA382617214.

ClinVar aggregate classification (germline): Uncertain significance (1 of 4 stars; one submission).

Conditions:
Cowden syndrome 3 (CWS3). Identifiers: Orphanet 201, MedGen CN166604, MONDO:0014045.
Pheochromocytoma. Also called: MAX-Related Hereditary Paraganglioma-Pheochromocytoma Syndrome. Identifiers: Orphanet 29072, MedGen C0031511, MONDO:0008233, OMIM 171300, HP:0002666.
Paragangliomas with sensorineural hearing loss. Identifiers: MedGen C1868633.
Carney-Stratakis syndrome. Also called: PARAGANGLIOMA AND GASTROINTESTINAL STROMAL TUMOR. Identifiers: Orphanet 97286, MedGen C1847319, MONDO:0011740, OMIM 606864.

Submission:

Labcorp Genetics (formerly Invitae), Labcorp
Classification: Uncertain significance for Carney-Stratakis syndrome; Paragangliomas with sensorineural hearing loss; Pheochromocytoma; Cowden syndrome 3. Last evaluated: 2018-10-30. Review status: criteria provided, single submitter. Criteria: Invitae Variant Classification Sherloc (09022015). Collection method: clinical testing. Allele origin: germline.
Comment: In summary, the available evidence is currently insufficient to determine the role of this variant in disease. Therefore, it has been classified as a Variant of Uncertain Significance. Algorithms developed to predict the effect of missense changes on protein structure and function are either unavailable or do not agree on the potential impact of this missense change (SIFT: "Deleterious"; PolyPhen-2: "Possibly Damaging"; Align-GVGD: "Class C0"). This variant has not been reported in the literature in individuals with SDHD-related disease. This variant is not present in population databases (ExAC no frequency). This sequence change replaces threonine with asparagine at codon 67 of the SDHD protein (p.Thr67Asn). The threonine residue is highly conserved and there is a small physicochemical difference between threonine and asparagine.